The following is an entry in ClinVar:

NM_003072.5(SMARCA4):c.1894G>C (p.Asp632His)

Gene: SMARCA4 (SWI/SNF related BAF chromatin remodeling complex subunit ATPase 4; plus strand). Cytogenetic location: 19p13.2.
Variant type: single nucleotide variant.
Coding change: c.1894G>C on transcript NM_003072.5 (MANE Select); coding-DNA position 1894, G replaced by C.
Protein change: p.Asp632His; replaces aspartic acid 632 with histidine.
Molecular consequence: missense variant. On other transcripts: non-coding transcript variant (1).
Genome position (GRCh38, 1-based): chr19:11,003,110, G>C. VCF-style: chr19-11003110-G-C. GRCh37 (hg19) VCF-style: chr19-11113786-G-C.
Other names: c.1894G>C, p.Asp632His (NM_001128844.3, NM_001128845.2, NM_001128846.2 and 6 more transcripts); short protein forms D632H.
Identifiers: ClinVar variation 3958459 (VCV003958459.1).

ClinVar aggregate classification (germline): Uncertain significance (1 of 4 stars; one submission).

Conditions:
Hereditary cancer-predisposing syndrome. Also called: Tumor predisposition; Hereditary neoplastic syndrome; Hereditary Cancer Syndrome; Neoplastic Syndromes, Hereditary. Identifiers: Orphanet 140162, MedGen C0027672, MeSH D009386, MONDO:0015356.

Submission:

Ambry Genetics
Classification: Uncertain significance for Hereditary cancer-predisposing syndrome. Last evaluated: 2025-05-08. Review status: criteria provided, single submitter. Criteria: Ambry Variant Classification Scheme 2023. Collection method: clinical testing. Allele origin: germline.
Comment: The p.D632H variant (also known as c.1894G>C), located in coding exon 11 of the SMARCA4 gene, results from a G to C substitution at nucleotide position 1894. The aspartic acid at codon 632 is replaced by histidine, an amino acid with similar properties. This amino acid position is conserved. In addition, the in silico prediction for this alteration is inconclusive. Based on the available evidence, the clinical significance of this variant remains unclear.